The following is an entry in ClinVar:

NM_000726.5(CACNB4):c.*6140G>T

Gene: CACNB4 (calcium voltage-gated channel auxiliary subunit beta 4; minus strand). Cytogenetic location: 2q23.3.
Variant type: single nucleotide variant.
Coding change: c.*6140G>T on transcript NM_000726.5 (MANE Select); 6140 bases downstream of the stop codon, G replaced by T.
Molecular consequence: 3 prime UTR variant.
Genome position (GRCh38, 1-based): chr2:151,832,979, C>A on the plus strand (G>T on the coding strand, the complement: CACNB4 is on the minus strand). VCF-style: chr2-151832979-C-A. GRCh37 (hg19) VCF-style: chr2-152689493-C-A.
Other names: c.*6140G>T (NM_001320722.3, NM_001330113.2, NM_001330114.2 and 7 more transcripts).
Identifiers: ClinVar variation 331548 (VCV000331548.7), dbSNP rs74944346, ClinGen allele CA10612318.
Genomic context (GRCh38, chr2:151,832,979, plus strand): 5'-AAATAACACCACGTTTTTTTCTTTAAAGCCACTAAAGCAGAGGGAGAACAAAACATGCAG[C>A]ACTGTACACATTTGCATAGTATATTTTACCCAGCATGCCTTGTAGAATGCTACACATACC-3'

ClinVar aggregate classification (germline): Benign/Likely benign. Review status: criteria provided, multiple submitters, no conflicts (2 of 4 stars). 2 submissions from 2 submitters: Benign (1); Likely benign (1). Last evaluated 2018-01-13.

Conditions:
Episodic ataxia type 5. Identifiers: Orphanet 211067, MedGen C1866039, MONDO:0013464, OMIM 613855.

Allele frequency attached by ClinVar (database versions not stated): gnomAD 0.00301 and 0.00321; TOPMed 0.00348; 1000 Genomes Project 30x 0.00406; 1000 Genomes Project 0.00439.

Submissions (2):

Illumina Laboratory Services, Illumina
Classification: Benign for Episodic ataxia type 5. Last evaluated: 2018-01-13. Review status: criteria provided, single submitter. Criteria: ICSL Variant Classification Criteria 13 December 2019. Collection method: clinical testing. Allele origin: germline.
Comment: This variant was observed in the ICSL laboratory as part of a predisposition screen in an ostensibly healthy population. It had not been previously curated by ICSL or reported in the Human Gene Mutation Database (HGMD: prior to June 1st, 2018), and was therefore a candidate for classification through an automated scoring system. Utilizing variant allele frequency, disease prevalence and penetrance estimates, and inheritance mode, an automated score was calculated to assess if this variant is too frequent to cause the disease. Based on the score and internal cut-off values, a variant classified as benign is not then subjected to further curation. The score for this variant resulted in a classification of benign for this disease.

Breakthrough Genomics
Classification: Likely benign. Review status: criteria provided, single submitter. Criteria: ACMG Guidelines, 2015. Collection method: not provided. Allele origin: germline. Inheritance: Autosomal dominant inheritance. Affected: yes.